The following is an entry in ClinVar:

NM_002529.4(NTRK1):c.287+12G>A

Gene: NTRK1 (neurotrophic receptor tyrosine kinase 1; plus strand). Cytogenetic location: 1q23.1.
Variant type: single nucleotide variant.
Coding change: c.287+12G>A on transcript NM_002529.4 (MANE Select); 12 bases into the intron after coding-DNA position 287, G replaced by A.
Molecular consequence: intron variant.
Genome position (GRCh38, 1-based): chr1:156,864,440, G>A. VCF-style: chr1-156864440-G-A. GRCh37 (hg19) VCF-style: chr1-156834232-G-A.
Other names: c.197+12G>A (NM_001007792.1); c.287+12G>A (NM_001012331.2).
Identifiers: ClinVar variation 292873 (VCV000292873.18), dbSNP rs202238126, ClinGen allele CA1168877.
Genomic context (GRCh38, chr1:156,864,440, plus strand): 5'-AGCATCTGGAGCTCCGTGATCTGAGGGGCCTGGGGGAGCTGAGAAACCTGTGAGGGAAAC[G>A]GGGACTGTGGGTGTGGAGCTCAGCATGGGCCTGGGGGAGACCAGAAGGTCAGGGAGGGCT-3'

ClinVar aggregate classification (germline): Benign/Likely benign. Review status: criteria provided, multiple submitters, no conflicts (2 of 4 stars). 7 submissions from 7 submitters: Benign (3); Likely benign (4). Last evaluated 2026-02-01.

Conditions:
Hereditary insensitivity to pain with anhidrosis (CIPA). Also called: FAMILIAL DYSAUTONOMIA, TYPE II; NTRK1 Congenital Insensitivity to Pain with Anhidrosis; NEUROPATHY, CONGENITAL SENSORY, WITH ANHIDROSIS; hereditary sensory and autonomic neuropathy type 4; INSENSITIVITY TO PAIN, CONGENITAL, WITH ANHIDROSIS; HSAN Type IV. Identifiers: Orphanet 642, MedGen C0020074, MONDO:0009746, OMIM 256800.

Allele frequency attached by ClinVar (database versions not stated): ESP Exome Variant Server 0.00031; gnomAD exomes 0.00045 and 0.00173; ExAC 0.00108; gnomAD 0.00133 and 0.00138; 1000 Genomes Project 0.00180; 1000 Genomes Project 30x 0.00219; TOPMed 0.00271.

Submissions (7):

Labcorp Genetics (formerly Invitae), Labcorp
Classification: Benign for Hereditary insensitivity to pain with anhidrosis. Last evaluated: 2026-02-01. Review status: criteria provided, single submitter. Criteria: Invitae Variant Classification Sherloc (09022015). Collection method: clinical testing. Allele origin: germline.

Blueprint Genetics
Classification: Likely benign. Last evaluated: 2024-10-01. Review status: criteria provided, single submitter. Criteria: ACMG Guidelines, 2015. Collection method: clinical testing. Allele origin: germline.

Genome-Nilou Lab
Classification: Benign for Hereditary insensitivity to pain with anhidrosis. Last evaluated: 2023-04-11. Review status: criteria provided, single submitter. Criteria: ACMG Guidelines, 2015. Collection method: clinical testing. Allele origin: germline. Affected: no.

Fulgent Genetics
Classification: Likely benign for Hereditary insensitivity to pain with anhidrosis. Last evaluated: 2022-05-11. Review status: criteria provided, single submitter. Criteria: ACMG Guidelines, 2015. Collection method: clinical testing. Allele origin: unknown.

Illumina Laboratory Services, Illumina
Classification: Likely benign for Hereditary insensitivity to pain with anhidrosis. Last evaluated: 2018-01-13. Review status: criteria provided, single submitter. Criteria: ICSL Variant Classification Criteria 13 December 2019. Collection method: clinical testing. Allele origin: germline.
Comment: This variant was observed in the ICSL laboratory as part of a predisposition screen in an ostensibly healthy population. It had not been previously curated by ICSL or reported in the Human Gene Mutation Database (HGMD: prior to June 1st, 2018), and was therefore a candidate for classification through an automated scoring system. Utilizing variant allele frequency, disease prevalence and penetrance estimates, and inheritance mode, an automated score was calculated to assess if this variant is too frequent to cause the disease. Based on the score and internal cut-off values, a variant classified as likely benign is not then subjected to further curation. The score for this variant resulted in a classification of likely benign for this disease.

GeneDx
Classification: Benign. Last evaluated: 2015-03-03. Review status: criteria provided, single submitter. Criteria: GeneDx Variant Classification Process June 2021. Collection method: clinical testing. Allele origin: germline. Affected: yes.

Breakthrough Genomics
Classification: Likely benign. Review status: criteria provided, single submitter. Criteria: ACMG Guidelines, 2015. Collection method: not provided. Allele origin: germline. Inheritance: Autosomal recessive inheritance. Affected: yes.